The following is an entry in ClinVar:

NM_000392.5(ABCC2):c.2352A>G (p.Leu784=)

Gene: ABCC2 (ATP binding cassette subfamily C member 2; plus strand). Cytogenetic location: 10q24.2.
Variant type: single nucleotide variant.
Coding change: c.2352A>G on transcript NM_000392.5 (MANE Select); coding-DNA position 2352, A replaced by G.
Protein change: p.Leu784=; no amino-acid change (leucine 784 retained).
Molecular consequence: synonymous variant.
Genome position (GRCh38, 1-based): chr10:99,818,870, A>G. VCF-style: chr10-99818870-A-G. GRCh37 (hg19) VCF-style: chr10-101578627-A-G.
Other names: c.2352A>G, p.Leu784= (LRG_1208t1).
Identifiers: ClinVar variation 100810 (VCV000100810.2), dbSNP rs483352691, ClinGen allele CA229002.

ClinVar aggregate classification (germline): Uncertain significance. Review status: no assertion criteria provided (0 of 4 stars). 2 submissions from 1 submitter: Uncertain significance (1). 1 of the submissions does not count toward it.

Submissions (2):

Richard Lifton Laboratory, Yale University School of Medicine
Classification: Uncertain significance. Review status: no assertion criteria provided. Collection method: not provided. Allele origin: somatic.
Comment: ABCC2:p.L784L
ClinVar note: Converted during submission from unknown to Uncertain significance.

Richard Lifton Laboratory, Yale University School of Medicine
Classification: Uncertain significance. Review status: flagged submission. Collection method: not provided. Allele origin: somatic. Not counted in ClinVar's aggregate classification.
ClinVar note: Converted during submission from unknown to Uncertain significance.
ClinVar note: Reason: This record appears to be redundant with a more recent record from the same submitter.
ClinVar note: Notes: SCV000120030 appears to be redundant with SCV000155133.